The following is an entry in ClinVar:

NM_198578.4(LRRK2):c.422T>C (p.Leu141Pro)

Gene: LRRK2 (leucine rich repeat kinase 2; plus strand). Cytogenetic location: 12q12.
Variant type: single nucleotide variant.
Coding change: c.422T>C on transcript NM_198578.4 (MANE Select); coding-DNA position 422, T replaced by C.
Protein change: p.Leu141Pro; replaces leucine 141 with proline.
Molecular consequence: missense variant.
Genome position (GRCh38, 1-based): chr12:40,235,700, T>C. VCF-style: chr12-40235700-T-C. GRCh37 (hg19) VCF-style: chr12-40629502-T-C.
Other names: short protein forms L141P.
Identifiers: ClinVar variation 1738900 (VCV001738900.2), dbSNP rs552243519, ClinGen allele CA384403026.

ClinVar aggregate classification (germline): Uncertain significance (1 of 4 stars; one submission).

Conditions:
Inborn genetic diseases. Identifiers: MedGen C0950123, MeSH D030342.

gnomAD v4.1: 1 of 1,592,182 alleles (0.000063%); highest among the groups gnomAD compares: Non-Finnish European, 0.000086%; no homozygotes.

Submission:

Ambry Genetics
Classification: Uncertain significance for Inborn genetic diseases. Last evaluated: 2021-10-05. Review status: criteria provided, single submitter. Criteria: Ambry Variant Classification Scheme 2023. Collection method: clinical testing. Allele origin: germline.
Comment: The p.L141P variant (also known as c.422T>C), located in coding exon 4 of the LRRK2 gene, results from a T to C substitution at nucleotide position 422. The leucine at codon 141 is replaced by proline, an amino acid with similar properties. This amino acid position is conserved. In addition, the in silico prediction for this alteration is inconclusive. Since supporting evidence is limited at this time, the clinical significance of this alteration remains unclear.